The following is an entry in ClinVar:

ClinVar aggregate classification (germline): Uncertain significance (1 of 4 stars; one submission).

Conditions:
Drash syndrome (DDS). Also called: NEPHROPATHY, WILMS TUMOR, AND GENITAL ANOMALIES; WILMS TUMOR AND PSEUDO- OR TRUE HERMAPHRODITISM. Identifiers: Orphanet 220, MedGen C0950121, MONDO:0008682, OMIM 194080.
Frasier syndrome. Identifiers: Orphanet 347, MedGen C0950122, MeSH D052159, MONDO:0007635, OMIM 136680.
Wilms tumor 1 (WT1). Also called: Wilms tumor, somatic. Identifiers: Orphanet 654, MedGen CN033288, MONDO:0008679, OMIM 194070.
11p partial monosomy syndrome (WAGR). Also called: CHROMOSOME 11p13 DELETION SYNDROME; WAGR syndrome; WAGR Complex; WAGR Spectrum Disorder. Identifiers: Orphanet 893, MedGen C0206115, MONDO:0008681, OMIM 194072.

Submission:

Labcorp Genetics (formerly Invitae), Labcorp
Classification: Uncertain significance for Wilms tumor 1; Drash syndrome; 11p partial monosomy syndrome; Frasier syndrome. Last evaluated: 2022-02-13. Review status: criteria provided, single submitter. Criteria: Invitae Variant Classification Sherloc (09022015). Collection method: clinical testing. Allele origin: germline.
Comment: This variant has not been reported in the literature in individuals affected with WT1-related conditions. This variant is not present in population databases (gnomAD no frequency). This sequence change replaces serine, which is neutral and polar, with cysteine, which is neutral and slightly polar, at codon 138 of the WT1 protein (p.Ser138Cys). Algorithms developed to predict the effect of missense changes on protein structure and function (SIFT, PolyPhen-2, Align-GVGD) all suggest that this variant is likely to be disruptive. In summary, the available evidence is currently insufficient to determine the role of this variant in disease. Therefore, it has been classified as a Variant of Uncertain Significance.

NM_024426.6(WT1):c.428C>G (p.Ser143Cys)

Genes: WT1 (WT1 transcription factor; minus strand), LOC107982234 (WT1/WT1-AS bi-directional promoter region; plus strand). Cytogenetic location: 11p13.
Variant type: single nucleotide variant.
Coding change: c.428C>G on transcript NM_024426.6 (MANE Select); coding-DNA position 428, C replaced by G.
Protein change: p.Ser143Cys; replaces serine 143 with cysteine.
Molecular consequence: missense variant. On other transcripts: non-coding transcript variant (1).
Genome position (GRCh38, 1-based): chr11:32,434,933, G>C on the plus strand (C>G on the coding strand, the complement: WT1 is on the minus strand). VCF-style: chr11-32434933-G-C. GRCh37 (hg19) VCF-style: chr11-32456479-G-C.
Other names: c.428C>G, p.Ser143Cys (NM_000378.6, NM_001407044.1, NM_001407045.1 and 6 more transcripts); c.413C>G, p.Ser138Cys (NM_024425.2); short protein forms S138C, S143C.
Identifiers: ClinVar variation 2097410 (VCV002097410.4), dbSNP rs1414760547, ClinGen allele CA379965673.
Genomic context (GRCh38, chr11:32,434,933, plus strand): 5'-CTCAGGCACTGCTCCTCGTGCGGCTCCGCGCCGCCCCAGCTCGGCTCCTGTTTGATGAAG[G>C]AGTGAGGCGGCGGCGGCGGGGGTGGCGGCGGAGCCGGTGGCGGCGCGGGGCCGCCCAACG-3'
Protein context (NP_077744.4, residues 133-153): PPPPPPPPPH[Ser143Cys]FIKQEPSWGG